The following is an entry in ClinVar:

ClinVar aggregate classification (germline): Uncertain significance. Review status: criteria provided, multiple submitters, no conflicts (2 of 4 stars). 2 submissions from 2 submitters: Uncertain significance (2). Last evaluated 2025-05-11.

Conditions:
Fanconi anemia complementation group E (FANCE). Also called: FANCE-Related Fanconi Anemia. Identifiers: Orphanet 84, MedGen C3160739, MONDO:0010953, OMIM 600901.

Allele frequency attached by ClinVar (database versions not stated): TOPMed below 0.00001; gnomAD 0.00001; gnomAD exomes 0.00001 and 0.00002.
gnomAD v4.1: 28 of 1,613,916 alleles (0.0017%); highest among the groups gnomAD compares: Non-Finnish European, 0.0023%; no homozygotes.

Submissions (2):

Labcorp Genetics (formerly Invitae), Labcorp
Classification: Uncertain significance for Fanconi anemia complementation group E. Last evaluated: 2025-05-11. Review status: criteria provided, single submitter. Criteria: Invitae Variant Classification Sherloc (09022015). Collection method: clinical testing. Allele origin: germline.
Comment: This sequence change replaces serine, which is neutral and polar, with phenylalanine, which is neutral and non-polar, at codon 377 of the FANCE protein (p.Ser377Phe). This variant is present in population databases (no rsID available, gnomAD 0.002%). This variant has not been reported in the literature in individuals affected with FANCE-related conditions. ClinVar contains an entry for this variant (Variation ID: 905132). Invitae Evidence Modeling of protein sequence and biophysical properties (such as structural, functional, and spatial information, amino acid conservation, physicochemical variation, residue mobility, and thermodynamic stability) indicates that this missense variant is expected to disrupt FANCE protein function with a positive predictive value of 80%. In summary, the available evidence is currently insufficient to determine the role of this variant in disease. Therefore, it has been classified as a Variant of Uncertain Significance.

Illumina Laboratory Services, Illumina
Classification: Uncertain significance for Fanconi anemia complementation group E. Last evaluated: 2018-01-13. Review status: criteria provided, single submitter. Criteria: ICSL Variant Classification Criteria 13 December 2019. Collection method: clinical testing. Allele origin: germline.

NM_021922.3(FANCE):c.1130C>T (p.Ser377Phe)

Gene: FANCE (FA complementation group E; plus strand). Cytogenetic location: 6p21.31.
Variant type: single nucleotide variant.
Coding change: c.1130C>T on transcript NM_021922.3 (MANE Select); coding-DNA position 1130, C replaced by T.
Protein change: p.Ser377Phe; replaces serine 377 with phenylalanine.
Molecular consequence: missense variant.
Genome position (GRCh38, 1-based): chr6:35,459,347, C>T. VCF-style: chr6-35459347-C-T. GRCh37 (hg19) VCF-style: chr6-35427124-C-T.
Other names: short protein forms S377F.
Identifiers: ClinVar variation 905132 (VCV000905132.11), dbSNP rs1236565765, ClinGen allele CA363776346.